The following is an entry in ClinVar:

ClinVar aggregate classification (germline): Uncertain significance (1 of 4 stars; one submission).

Submission:

Ambry Genetics
Classification: Uncertain significance. Last evaluated: 2022-11-17. Review status: criteria provided, single submitter. Criteria: Ambry Variant Classification Scheme 2023. Collection method: clinical testing. Allele origin: germline.
Comment: The p.R1784T variant (also known as c.5351G>C), located in coding exon 40 of the PRKDC gene, results from a G to C substitution at nucleotide position 5351. The arginine at codon 1784 is replaced by threonine, an amino acid with similar properties. This amino acid position is conserved. In addition, this alteration is predicted to be tolerated by in silico analysis. Since supporting evidence is limited at this time, the clinical significance of this alteration remains unclear.

NM_006904.7(PRKDC):c.5351G>C (p.Arg1784Thr)

Gene: PRKDC (protein kinase, DNA-activated, catalytic subunit; minus strand). Cytogenetic location: 8q11.21.
Variant type: single nucleotide variant.
Coding change: c.5351G>C on transcript NM_006904.7 (MANE Select); coding-DNA position 5351, G replaced by C.
Protein change: p.Arg1784Thr; replaces arginine 1784 with threonine.
Molecular consequence: missense variant.
Genome position (GRCh38, 1-based): chr8:47,877,736, C>G on the plus strand (G>C on the coding strand, the complement: PRKDC is on the minus strand). VCF-style: chr8-47877736-C-G. GRCh37 (hg19) VCF-style: chr8-48790297-C-G.
Other names: c.5351G>C, p.Arg1784Thr (NM_001081640.2); short protein forms R1784T.
Identifiers: ClinVar variation 2497398 (VCV002497398.2), dbSNP rs2551872021, ClinGen allele CA371137528.